The following is an entry in ClinVar:

NM_000051.4(ATM):c.6905A>G (p.Lys2302Arg)

Genes: C11orf65 (chromosome 11 open reading frame 65; minus strand), ATM (ATM serine/threonine kinase; plus strand). Cytogenetic location: 11q22.3.
Variant type: single nucleotide variant.
Coding change: c.6905A>G on transcript NM_000051.4 (MANE Select); coding-DNA position 6905, A replaced by G.
Protein change: p.Lys2302Arg; replaces lysine 2302 with arginine.
Molecular consequence: missense variant. On other transcripts: intron variant (2).
Genome position (GRCh38, 1-based): chr11:108,326,155, A>G. VCF-style: chr11-108326155-A-G. GRCh37 (hg19) VCF-style: chr11-108196882-A-G.
Other names: c.6905A>G, p.Lys2302Arg (NM_001351834.2); c.641-17084T>C (NM_001330368.2); c.*38+9065T>C (NM_001351110.2); short protein forms K2302R.
Identifiers: ClinVar variation 482702 (VCV000482702.12), dbSNP rs1297586575, ClinGen allele CA382556982.

ClinVar aggregate classification (germline): Uncertain significance. Review status: criteria provided, multiple submitters, no conflicts (2 of 4 stars). 2 submissions from 2 submitters: Uncertain significance (2). Last evaluated 2024-06-17.

Conditions:
Hereditary cancer-predisposing syndrome. Also called: Neoplastic Syndromes, Hereditary; Hereditary Cancer Syndrome; Tumor predisposition; Hereditary neoplastic syndrome. Identifiers: Orphanet 140162, MedGen C0027672, MeSH D009386, MONDO:0015356.
Ataxia-telangiectasia syndrome (AT). Also called: LOUIS-BAR SYNDROME; Cerebello-oculocutaneous telangiectasia; Immunodeficiency with ataxia telangiectasia; Ataxia-telangiectasia, complementation group D; AT, COMPLEMENTATION GROUP C; Ataxia-telangiectasia, complementation group E. Identifiers: Orphanet 100, MedGen C0004135, MONDO:0008840, OMIM 208900.

Allele frequency attached by ClinVar (database versions not stated): gnomAD exomes 0.00001 and below 0.00001; TOPMed 0.00001.
gnomAD v4.1: 2 of 1,614,184 alleles (0.00012%); highest among the groups gnomAD compares: African/African-American, 0.0027%; no homozygotes.

Submissions (2):

Labcorp Genetics (formerly Invitae), Labcorp
Classification: Uncertain significance for Ataxia-telangiectasia syndrome. Last evaluated: 2024-06-17. Review status: criteria provided, single submitter. Criteria: Invitae Variant Classification Sherloc (09022015). Collection method: clinical testing. Allele origin: germline.
Comment: This sequence change replaces lysine, which is basic and polar, with arginine, which is basic and polar, at codon 2302 of the ATM protein (p.Lys2302Arg). This variant is present in population databases (no rsID available, gnomAD 0.01%). This variant has not been reported in the literature in individuals affected with ATM-related conditions. ClinVar contains an entry for this variant (Variation ID: 482702). An algorithm developed to predict the effect of missense changes on protein structure and function (PolyPhen-2) suggests that this variant is likely to be tolerated. In summary, the available evidence is currently insufficient to determine the role of this variant in disease. Therefore, it has been classified as a Variant of Uncertain Significance.

Ambry Genetics
Classification: Uncertain significance for Hereditary cancer-predisposing syndrome. Last evaluated: 2024-05-05. Review status: criteria provided, single submitter. Criteria: Ambry Variant Classification Scheme 2023. Collection method: clinical testing. Allele origin: germline.
Comment: The p.K2302R variant (also known as c.6905A>G), located in coding exon 46 of the ATM gene, results from an A to G substitution at nucleotide position 6905. The lysine at codon 2302 is replaced by arginine, an amino acid with highly similar properties. This amino acid position is highly conserved in available vertebrate species. In addition, this alteration is predicted to be tolerated by in silico analysis. Since supporting evidence is limited at this time, the clinical significance of this alteration remains unclear.